The following is an entry in ClinVar:

ClinVar aggregate classification (germline): Uncertain significance (1 of 4 stars; one submission).

Conditions:
Nephronophthisis. Also called: Juvenile Nephronophthisis. Identifiers: Orphanet 655, MedGen C0687120, MONDO:0019005, HP:0000090.

Allele frequency attached by ClinVar (database versions not stated): gnomAD exomes below 0.00001.
gnomAD v4.1: 1 of 1,508,368 alleles (0.000066%); highest among the groups gnomAD compares: Non-Finnish European, 0.000092%; no homozygotes.

Submission:

Labcorp Genetics (formerly Invitae), Labcorp
Classification: Uncertain significance for Nephronophthisis. Last evaluated: 2021-09-25. Review status: criteria provided, single submitter. Criteria: Invitae Variant Classification Sherloc (09022015). Collection method: clinical testing. Allele origin: germline.
Comment: This sequence change replaces proline with leucine at codon 310 of the NPHP1 protein (p.Pro310Leu). The proline residue is weakly conserved and there is a moderate physicochemical difference between proline and leucine. In summary, the available evidence is currently insufficient to determine the role of this variant in disease. Therefore, it has been classified as a Variant of Uncertain Significance. Algorithms developed to predict the effect of missense changes on protein structure and function (SIFT, PolyPhen-2, Align-GVGD) all suggest that this variant is likely to be tolerated. This variant has not been reported in the literature in individuals affected with NPHP1-related conditions. This variant is not present in population databases (ExAC no frequency).

NM_001128178.3(NPHP1):c.771+158C>T

Gene: NPHP1 (nephrocystin 1; minus strand). Cytogenetic location: 2q13.
Variant type: single nucleotide variant.
Coding change: c.771+158C>T on transcript NM_001128178.3 (MANE Select); 158 bases into the intron after coding-DNA position 771, C replaced by T.
Molecular consequence: intron variant. On other transcripts: missense variant (2).
Genome position (GRCh38, 1-based): chr2:110,164,530, G>A on the plus strand (C>T on the coding strand, the complement: NPHP1 is on the minus strand). VCF-style: chr2-110164530-G-A. GRCh37 (hg19) VCF-style: chr2-110922107-G-A.
Other names: c.929C>T, p.Pro310Leu (NM_000272.5, NM_207181.4); c.585+158C>T (NM_001128179.3); c.771+158C>T (NM_001374256.1, NM_001374257.1); short protein forms P310L.
Identifiers: ClinVar variation 1477408 (VCV001477408.6), dbSNP rs2104559150, ClinGen allele CA348091532.